The following is an entry in ClinVar:

ClinVar aggregate classification (germline): Uncertain significance. Review status: criteria provided, multiple submitters, no conflicts (2 of 4 stars). 3 submissions from 3 submitters: Uncertain significance (3). Last evaluated 2025-09-19.

Conditions:
Rubinstein-Taybi syndrome (RSTS). Identifiers: Orphanet 783, MedGen C0035934, MONDO:0019188.

gnomAD v4.1: 1 of 1,612,792 alleles (0.000062%); highest among the groups gnomAD compares: Non-Finnish European, 0.000085%; no homozygotes.

Submissions (3):

Labcorp Genetics (formerly Invitae), Labcorp
Classification: Uncertain significance for Rubinstein-Taybi syndrome. Last evaluated: 2025-09-19. Review status: criteria provided, single submitter. Criteria: Invitae Variant Classification Sherloc (09022015). Collection method: clinical testing. Allele origin: germline.
Comment: This sequence change replaces proline, which is neutral and non-polar, with threonine, which is neutral and polar, at codon 12 of the CREBBP protein (p.Pro12Thr). This variant is not present in population databases (gnomAD no frequency). This variant has not been reported in the literature in individuals affected with CREBBP-related conditions. ClinVar contains an entry for this variant (Variation ID: 1690967). Invitae Evidence Modeling of protein sequence and biophysical properties (such as structural, functional, and spatial information, amino acid conservation, physicochemical variation, residue mobility, and thermodynamic stability) indicates that this missense variant is not expected to disrupt CREBBP protein function with a negative predictive value of 95%. In summary, the available evidence is currently insufficient to determine the role of this variant in disease. Therefore, it has been classified as a Variant of Uncertain Significance.

Dasa
Classification: Uncertain significance. Last evaluated: 2025-06-04. Review status: criteria provided, single submitter. Criteria: DASA Assertion Criteria. Collection method: clinical testing. Allele origin: germline.
Comment: NM_004380.3(CREBBP):c.34C>A (p.Pro12Thr) is a missense variant that results in the substitution of proline with threonine. This variant is rare in population databases. Computational prediction algorithms are consistent with a benign effect. The currently available literature and clinical evidence are not sufficient to establish a definitive association between this variant and the reported condition. Therefore, this variant is classified as a variant of uncertain significance.

Laboratorio de Genetica e Diagnostico Molecular, Hospital Israelita Albert Einstein
Classification: Uncertain significance. Last evaluated: 2020-11-16. Review status: criteria provided, single submitter. Criteria: ACMG Guidelines, 2015. Collection method: clinical testing. Allele origin: germline. Affected: yes.
Comment: ACMG classification criteria: PM2, BP4

NM_004380.3(CREBBP):c.34C>A (p.Pro12Thr)

Gene: CREBBP (CREB binding lysine acetyltransferase; minus strand). Cytogenetic location: 16p13.3.
Variant type: single nucleotide variant.
Coding change: c.34C>A on transcript NM_004380.3 (MANE Select); coding-DNA position 34, C replaced by A.
Protein change: p.Pro12Thr; replaces proline 12 with threonine.
Molecular consequence: missense variant.
Genome position (GRCh38, 1-based): chr16:3,879,883, G>T on the plus strand (C>A on the coding strand, the complement: CREBBP is on the minus strand). VCF-style: chr16-3879883-G-T. GRCh37 (hg19) VCF-style: chr16-3929884-G-T.
Other names: c.34C>A, p.Pro12Thr (NM_001079846.1); short protein forms P12T.
Identifiers: ClinVar variation 1690967 (VCV001690967.5), dbSNP rs2055490745, ClinGen allele CA394567879.
Genomic context (GRCh38, chr16:3,879,883, plus strand): 5'-CCTCCTCACCTGTGCTGTCATTCGCCGAGAAACCGGGCGAGCTGAGTTTGGCTCTTTTGG[G>T]GTTGGGCGGTCCGTCCAGCAAGTTCTCAGCCATTTTCACCTGCTCGCGAAAACAGCCCCG-3'
Protein context (NP_004371.2, residues 2-22): AENLLDGPPN[Pro12Thr]KRAKLSSPGF